The following is an entry in ClinVar:

NM_002232.5(KCNA3):c.1117C>T (p.Arg373Cys)

Gene: KCNA3 (potassium voltage-gated channel subfamily A member 3; minus strand). Cytogenetic location: 1p13.3.
Variant type: single nucleotide variant.
Coding change: c.1117C>T on transcript NM_002232.5 (MANE Select); coding-DNA position 1117, C replaced by T.
Protein change: p.Arg373Cys; replaces arginine 373 with cysteine.
Molecular consequence: missense variant.
Genome position (GRCh38, 1-based): chr1:110,673,693, G>A on the plus strand (C>T on the coding strand, the complement: KCNA3 is on the minus strand). VCF-style: chr1-110673693-G-A. GRCh37 (hg19) VCF-style: chr1-111216315-G-A.
Other names: short protein forms R373C.
Identifiers: ClinVar variation 3766393 (VCV003766393.1).

ClinVar aggregate classification (germline): Uncertain significance (1 of 4 stars; one submission).

Submission:

GeneDx
Classification: Uncertain significance. Last evaluated: 2024-08-26. Review status: criteria provided, single submitter. Criteria: GeneDx Variant Classification Process June 2021. Collection method: clinical testing. Allele origin: germline. Affected: yes.
Comment: Not observed at significant frequency in large population cohorts (gnomAD); In silico analysis supports that this missense variant has a deleterious effect on protein structure/function; Has not been previously published as pathogenic or benign to our knowledge